The following is an entry in ClinVar:

NM_001106.4(ACVR2B):c.143G>T (p.Arg48Leu)

Gene: ACVR2B (activin A receptor type 2B; plus strand). Cytogenetic location: 3p22.2.
Variant type: single nucleotide variant.
Coding change: c.143G>T on transcript NM_001106.4 (MANE Select); coding-DNA position 143, G replaced by T.
Protein change: p.Arg48Leu; replaces arginine 48 with leucine.
Molecular consequence: missense variant.
Genome position (GRCh38, 1-based): chr3:38,477,377, G>T. VCF-style: chr3-38477377-G-T. GRCh37 (hg19) VCF-style: chr3-38518868-G-T.
Other names: short protein forms R48L.
Identifiers: ClinVar variation 646724 (VCV000646724.1), dbSNP rs752059653, ClinGen allele CA2318713.

ClinVar aggregate classification (germline): Uncertain significance (1 of 4 stars; one submission).

Conditions:
Heterotaxy, visceral, 4, autosomal (HTX4). Identifiers: Orphanet 450, MedGen C3151057, MONDO:0013403, OMIM 613751.

Allele frequency attached by ClinVar (database versions not stated): TOPMed 0.00001; gnomAD 0.00003.

Submission:

Labcorp Genetics (formerly Invitae), Labcorp
Classification: Uncertain significance for Heterotaxy, visceral, 4, autosomal. Last evaluated: 2018-11-07. Review status: criteria provided, single submitter. Criteria: Invitae Variant Classification Sherloc (09022015). Collection method: clinical testing. Allele origin: germline.
Comment: This sequence change replaces arginine with leucine at codon 48 of the ACVR2B protein (p.Arg48Leu). The arginine residue is highly conserved and there is a moderate physicochemical difference between arginine and leucine. This variant is present in population databases (rs752059653, ExAC 0.01%). This variant has not been reported in the literature in individuals with ACVR2B-related disease. Algorithms developed to predict the effect of missense changes on protein structure and function are either unavailable or do not agree on the potential impact of this missense change (SIFT: "Deleterious"; PolyPhen-2: "Benign"; Align-GVGD: "Class C15"). In summary, the available evidence is currently insufficient to determine the role of this variant in disease. Therefore, it has been classified as a Variant of Uncertain Significance.